The following is an entry in ClinVar:

NM_001378120.1(MBD5):c.4142A>G (p.Asn1381Ser)

Gene: MBD5 (methyl-CpG binding domain protein 5; plus strand). Cytogenetic location: 2q23.1.
Variant type: single nucleotide variant.
Coding change: c.4142A>G on transcript NM_001378120.1 (MANE Select); coding-DNA position 4142, A replaced by G.
Protein change: p.Asn1381Ser; replaces asparagine 1381 with serine.
Molecular consequence: missense variant.
Genome position (GRCh38, 1-based): chr2:148,489,774, A>G. VCF-style: chr2-148489774-A-G. GRCh37 (hg19) VCF-style: chr2-149247343-A-G.
Other names: c.3443A>G, p.Asn1148Ser (NM_018328.5); short protein forms N1381S, N1148S.
Identifiers: ClinVar variation 2964847 (VCV002964847.3), dbSNP rs750103023, ClinGen allele CA1900383.

ClinVar aggregate classification (germline): Uncertain significance (1 of 4 stars; one submission).

Conditions:
Intellectual developmental disorder, autosomal dominant 1. Also called: MBD5 Haploinsufficiency; Intellectual disability, autosomal dominant 1. Identifiers: Orphanet 228402, MedGen C1969562, MONDO:0007974, OMIM 156200.

Allele frequency attached by ClinVar (database versions not stated): gnomAD exomes below 0.00001; ExAC 0.00001.
gnomAD v4.1: 3 of 1,614,156 alleles (0.00019%); highest among the groups gnomAD compares: Non-Finnish European, 0.00025%; no homozygotes.

Submission:

Labcorp Genetics (formerly Invitae), Labcorp
Classification: Uncertain significance for Intellectual developmental disorder, autosomal dominant 1. Last evaluated: 2024-01-19. Review status: criteria provided, single submitter. Criteria: Invitae Variant Classification Sherloc (09022015). Collection method: clinical testing. Allele origin: germline.
Comment: This sequence change replaces asparagine, which is neutral and polar, with serine, which is neutral and polar, at codon 1148 of the MBD5 protein (p.Asn1148Ser). This variant is present in population databases (rs750103023, gnomAD 0.0009%). This variant has not been reported in the literature in individuals affected with MBD5-related conditions. Algorithms developed to predict the effect of missense changes on protein structure and function output the following: SIFT: "Not Available"; PolyPhen-2: "Not Available"; Align-GVGD: "Not Available". The serine amino acid residue is found in multiple mammalian species, which suggests that this missense change does not adversely affect protein function. In summary, the available evidence is currently insufficient to determine the role of this variant in disease. Therefore, it has been classified as a Variant of Uncertain Significance.